The following is an entry in ClinVar:

ClinVar aggregate classification (germline): Likely pathogenic (1 of 4 stars; one submission).

Conditions:
Abetalipoproteinaemia (ABL). Also called: Abetalipoproteinemia; Abetalipoproteinemia neuropathy; Apolipoprotein B deficiency; Congenital betalipoprotein deficiency syndrome; MTP DEFICIENCY. Identifiers: Orphanet 14, MedGen C0000744, MONDO:0008692, OMIM 200100, HP:0008181.

Submission:

Myriad Genetics, Inc.
Classification: Likely pathogenic for Abetalipoproteinaemia. Last evaluated: 2020-03-14. Review status: criteria provided, single submitter. Criteria: Myriad Women's Health Autosomal Recessive and X-Linked Classification Criteria (2019). Collection method: clinical testing. Allele origin: unknown.
Comment: NM_000253.2(MTTP):c.358C>T(Q120*) is expected to be pathogenic in the context of abetalipoproteinemia. This variant is predicted to lead to an abnormal or absent protein product due to the creation of a premature termination codon in MTTP, a gene where loss-of-function variants are known to be pathogenic. Please note: this variant was assessed in the context of healthy population screening.

NM_001386140.1(MTTP):c.358C>T (p.Gln120Ter)

Gene: MTTP (microsomal triglyceride transfer protein; plus strand). Cytogenetic location: 4q23.
Variant type: single nucleotide variant.
Coding change: c.358C>T on transcript NM_001386140.1 (MANE Select); coding-DNA position 358, C replaced by T.
Protein change: p.Gln120Ter; replaces glutamine 120 with a stop codon.
Molecular consequence: nonsense.
Genome position (GRCh38, 1-based): chr4:99,583,482, C>T. VCF-style: chr4-99583482-C-T. GRCh37 (hg19) VCF-style: chr4-100504639-C-T.
Other names: c.358C>T, p.Gln120Ter (NM_000253.4); c.109C>T, p.Gln37Ter (NM_001300785.2); short protein forms Q120*, Q37*.
Identifiers: ClinVar variation 984258 (VCV000984258.3), dbSNP rs1725178752, ClinGen allele CA357502404.